The following is an entry in ClinVar:

NM_199420.4(POLQ):c.1889A>T (p.Asp630Val)

Gene: POLQ (DNA polymerase theta; minus strand). Cytogenetic location: 3q13.33.
Variant type: single nucleotide variant.
Coding change: c.1889A>T on transcript NM_199420.4 (MANE Select); coding-DNA position 1889, A replaced by T.
Protein change: p.Asp630Val; replaces aspartic acid 630 with valine.
Molecular consequence: missense variant.
Genome position (GRCh38, 1-based): chr3:121,509,631, T>A on the plus strand (A>T on the coding strand, the complement: POLQ is on the minus strand). VCF-style: chr3-121509631-T-A. GRCh37 (hg19) VCF-style: chr3-121228478-T-A.
Other names: short protein forms D630V.
Identifiers: ClinVar variation 2563775 (VCV002563775.2), dbSNP rs2048236524, ClinGen allele CA354113632.

ClinVar aggregate classification (germline): Uncertain significance (1 of 4 stars; one submission).

gnomAD v4.1: 1 of 1,613,794 alleles (0.000062%); highest among the groups gnomAD compares: African/African-American, 0.0013%; no homozygotes.

Submission:

Ambry Genetics
Classification: Uncertain significance. Last evaluated: 2023-03-25. Review status: criteria provided, single submitter. Criteria: Ambry Variant Classification Scheme 2023. Collection method: clinical testing. Allele origin: germline.
Comment: The p.D630V variant (also known as c.1889A>T), located in coding exon 12 of the POLQ gene, results from an A to T substitution at nucleotide position 1889. The aspartic acid at codon 630 is replaced by valine, an amino acid with highly dissimilar properties. This amino acid position is conserved. In addition, this alteration is predicted to be tolerated by in silico analysis. Since supporting evidence is limited at this time, the clinical significance of this alteration remains unclear.